The following is an entry in ClinVar:

ClinVar aggregate classification (germline): Uncertain significance (1 of 4 stars; one submission).

Conditions:
Periodontitis, aggressive. Identifiers: MedGen C0031106, MONDO:0980757.
Papillon-Lefèvre syndrome (PALS). Also called: KERATOSIS PALMOPLANTARIS WITH PERIODONTOPATHIA; Papillon-Lefevre Disease. Identifiers: Orphanet 678, MedGen C0030360, MONDO:0009490, OMIM 245000.
Haim-Munk syndrome (HMS). Also called: COCHIN JEWISH DISORDER; KERATOSIS PALMOPLANTARIS WITH PERIODONTOPATHIA AND ONYCHOGRYPOSIS. Identifiers: Orphanet 2342, MedGen C1855627, MONDO:0009491, OMIM 245010.

Submission:

Labcorp Genetics (formerly Invitae), Labcorp
Classification: Uncertain significance for Haim-Munk syndrome; Periodontitis, aggressive; Papillon-Lefèvre syndrome. Last evaluated: 2023-08-17. Review status: criteria provided, single submitter. Criteria: Invitae Variant Classification Sherloc (09022015). Collection method: clinical testing. Allele origin: germline.
Comment: In summary, the available evidence is currently insufficient to determine the role of this variant in disease. Therefore, it has been classified as a Variant of Uncertain Significance. Advanced modeling of protein sequence and biophysical properties (such as structural, functional, and spatial information, amino acid conservation, physicochemical variation, residue mobility, and thermodynamic stability) performed at Invitae indicates that this missense variant is not expected to disrupt CTSC protein function. ClinVar contains an entry for this variant (Variation ID: 1716071). This variant has not been reported in the literature in individuals affected with CTSC-related conditions. This variant is not present in population databases (gnomAD no frequency). This sequence change replaces threonine, which is neutral and polar, with proline, which is neutral and non-polar, at codon 327 of the CTSC protein (p.Thr327Pro).

NM_001814.6(CTSC):c.979A>C (p.Thr327Pro)

Gene: CTSC (cathepsin C; minus strand). Cytogenetic location: 11q14.2.
Variant type: single nucleotide variant.
Coding change: c.979A>C on transcript NM_001814.6 (MANE Select); coding-DNA position 979, A replaced by C.
Protein change: p.Thr327Pro; replaces threonine 327 with proline.
Molecular consequence: missense variant.
Genome position (GRCh38, 1-based): chr11:88,294,419, T>G on the plus strand (A>C on the coding strand, the complement: CTSC is on the minus strand). VCF-style: chr11-88294419-T-G. GRCh37 (hg19) VCF-style: chr11-88027587-T-G.
Other names: short protein forms T327P.
Identifiers: ClinVar variation 1716071 (VCV001716071.5), dbSNP rs2496529882, ClinGen allele CA382022149.